The following is an entry in ClinVar:

ClinVar aggregate classification (germline): Pathogenic/Likely pathogenic. Review status: criteria provided, multiple submitters, no conflicts (2 of 4 stars). 2 submissions from 2 submitters: Pathogenic (1); Likely pathogenic (1). Last evaluated 2021-08-12.

Conditions:
ABCA4-related disorder. Also called: ABCA4-related disorders; ABCA4-related condition. Identifiers: MedGen CN239167.

Submissions (2):

Blueprint Genetics
Classification: Likely pathogenic for ABCA4-related disorders. Last evaluated: 2021-08-12. Review status: criteria provided, single submitter. Criteria: ACMG Guidelines, 2015. Collection method: clinical testing. Allele origin: germline. Affected: yes. Observed: 2 variant alleles.

GeneDx
Classification: Pathogenic. Last evaluated: 2015-09-10. Review status: criteria provided, single submitter. Criteria: GeneDx Variant Classification (06012015). Collection method: clinical testing. Allele origin: germline. Affected: yes.
Comment: The L1546X nonsense variant in the ABCA4 gene is predicted to cause loss of normal protein function either through protein truncation or nonsense-mediated mRNA decay. This variant has not been reported previously to our knowledge. A nearby nonsense variant (K1547X) has been reported in the Human Gene Mutation Database in association with Stargardt disease (Stenson et al., 2014). Therefore, we interpret L1546X as a pathogenic variant.

NM_000350.3(ABCA4):c.4637T>G (p.Leu1546Ter)

Gene: ABCA4 (ATP binding cassette subfamily A member 4; minus strand). Cytogenetic location: 1p22.1.
Variant type: single nucleotide variant.
Coding change: c.4637T>G on transcript NM_000350.3 (MANE Select); coding-DNA position 4637, T replaced by G.
Protein change: p.Leu1546Ter; replaces leucine 1546 with a stop codon.
Molecular consequence: nonsense.
Genome position (GRCh38, 1-based): chr1:94,023,416, A>C on the plus strand (T>G on the coding strand, the complement: ABCA4 is on the minus strand). VCF-style: chr1-94023416-A-C. GRCh37 (hg19) VCF-style: chr1-94488972-A-C.
Other names: c.4415T>G, p.Leu1472Ter (NM_001425324.1); short protein forms L1546*, L1472*.
Identifiers: ClinVar variation 429819 (VCV000429819.3), dbSNP rs1131691612, ClinGen allele CA341284271.